The following is an entry in ClinVar:

ClinVar aggregate classification (germline): Conflicting classifications of pathogenicity. Review status: criteria provided, conflicting classifications (1 of 4 stars). 2 submissions from 2 submitters: Uncertain significance (1); Likely benign (1). Last evaluated 2023-11-18.

Conditions:
Immunodeficiency, common variable, 10. Also called: DEFICIT IN ANTERIOR PITUITARY FUNCTION AND VARIABLE IMMUNODEFICIENCY; IMMUNODEFICIENCY, COMMON VARIABLE, WITH CENTRAL ADRENAL INSUFFICIENCY. Identifiers: MedGen C3809991, MONDO:0014260, OMIM 615577.

Allele frequency attached by ClinVar (database versions not stated): gnomAD exomes below 0.00001; TOPMed below 0.00001; gnomAD 0.00001.
gnomAD v4.1: 6 of 1,555,056 alleles (0.00039%); highest among the groups gnomAD compares: Middle Eastern, 0.017%; no homozygotes.

Submissions (2):

Labcorp Genetics (formerly Invitae), Labcorp
Classification: Likely benign for Immunodeficiency, common variable, 10. Last evaluated: 2023-11-18. Review status: criteria provided, single submitter. Criteria: Invitae Variant Classification Sherloc (09022015). Collection method: clinical testing. Allele origin: germline.

Laboratorio de Genetica e Diagnostico Molecular, Hospital Israelita Albert Einstein
Classification: Uncertain significance for Immunodeficiency, common variable, 10. Last evaluated: 2022-08-05. Review status: criteria provided, single submitter. Criteria: ACMG Guidelines, 2015. Collection method: clinical testing. Allele origin: germline. Affected: yes. Observed: 1 variant allele.
Comment: ACMG classification criteria: PM2 moderated

NM_001322934.2(NFKB2):c.2598T>C (p.Ser866=)

Gene: NFKB2 (nuclear factor kappa B subunit 2; plus strand). Cytogenetic location: 10q24.32.
Variant type: single nucleotide variant.
Coding change: c.2598T>C on transcript NM_001322934.2 (MANE Select); coding-DNA position 2598, T replaced by C.
Protein change: p.Ser866=; no amino-acid change (serine 866 retained).
Molecular consequence: synonymous variant.
Genome position (GRCh38, 1-based): chr10:102,402,271, T>C. VCF-style: chr10-102402271-T-C. GRCh37 (hg19) VCF-style: chr10-104162028-T-C.
Other names: c.2595T>C, p.Ser865= (NM_001077493.1, NM_001261403.3, NM_001288724.1 and 1 more transcripts); c.2598T>C, p.Ser866= (NM_001077494.3); c.2472T>C, p.Ser824= (NM_001322935.1).
Identifiers: ClinVar variation 2431934 (VCV002431934.4), dbSNP rs1350425608, ClinGen allele CA471245787.